The following is an entry in ClinVar:

NM_177438.3(DICER1):c.1908-77C>T

Gene: DICER1 (dicer 1, ribonuclease III; minus strand). Cytogenetic location: 14q32.13.
Variant type: single nucleotide variant.
Coding change: c.1908-77C>T on transcript NM_177438.3 (MANE Select); 77 bases into the intron before coding-DNA position 1908, C replaced by T.
Molecular consequence: intron variant.
Genome position (GRCh38, 1-based): chr14:95,113,301, G>A on the plus strand (C>T on the coding strand, the complement: DICER1 is on the minus strand). VCF-style: chr14-95113301-G-A. GRCh37 (hg19) VCF-style: chr14-95579638-G-A.
Other names: c.1908-77C>T (NM_001291628.2, NM_030621.4, NM_001271282.3 and 1 more transcripts).
Identifiers: ClinVar variation 676890 (VCV000676890.2), dbSNP rs57681406, ClinGen allele CA265913520.
Genomic context (GRCh38, chr14:95,113,301, plus strand): 5'-ATTCTGAGGCTGAATCTACAACTGAGAAAATATTGATATTTATAACCTCGAGTTTGATTT[G>A]TCATGTGCCTCTTCCCCTCTACTGAATTTGTATTTATATGTGGCATTTAAACTTTACTGC-3'

ClinVar aggregate classification (germline): Benign. Review status: criteria provided, multiple submitters, no conflicts (2 of 4 stars). 2 submissions from 2 submitters: Benign (2). Last evaluated 2018-06-18.

Allele frequency attached by ClinVar (database versions not stated): gnomAD 0.03390; TOPMed 0.03662; 1000 Genomes Project 0.04034; 1000 Genomes Project 30x 0.04247.
gnomAD v4.1: 11,511 of 1,383,604 alleles (0.83%); highest among the groups gnomAD compares: African/African-American, 12%; 603 homozygotes.

Submissions (2):

GeneDx
Classification: Benign. Last evaluated: 2018-06-18. Review status: criteria provided, single submitter. Criteria: GeneDx Variant Classification (06012015). Collection method: clinical testing. Allele origin: germline. Affected: yes.
Comment: This variant is considered likely benign or benign based on one or more of the following criteria: it is a conservative change, it occurs at a poorly conserved position in the protein, it is predicted to be benign by multiple in silico algorithms, and/or has population frequency not consistent with disease.

Breakthrough Genomics
Classification: Benign. Review status: criteria provided, single submitter. Criteria: ACMG Guidelines, 2015. Collection method: not provided. Allele origin: germline. Inheritance: Autosomal dominant inheritance. Affected: yes.